The following is an entry in ClinVar:

ClinVar aggregate classification (germline): Uncertain significance (1 of 4 stars; one submission).

Conditions:
Congenital contractural arachnodactyly (CCA). Also called: BEALS SYNDROME; Arthrogryposis, distal, type 9; Beals-Hecht syndrome. Identifiers: Orphanet 115, MedGen C0220668, MONDO:0007363, OMIM 121050.

Submission:

Labcorp Genetics (formerly Invitae), Labcorp
Classification: Uncertain significance for Congenital contractural arachnodactyly. Last evaluated: 2025-09-17. Review status: criteria provided, single submitter. Criteria: Invitae Variant Classification Sherloc (09022015). Collection method: clinical testing. Allele origin: germline.
Comment: This sequence change replaces histidine, which is basic and polar, with arginine, which is basic and polar, at codon 1376 of the FBN2 protein (p.His1376Arg). This variant is not present in population databases (gnomAD no frequency). This variant has not been reported in the literature in individuals affected with FBN2-related conditions. ClinVar contains an entry for this variant (Variation ID: 1060559). Invitae Evidence Modeling of protein sequence and biophysical properties (such as structural, functional, and spatial information, amino acid conservation, physicochemical variation, residue mobility, and thermodynamic stability) indicates that this missense variant is expected to disrupt FBN2 protein function with a positive predictive value of 80%. In summary, the available evidence is currently insufficient to determine the role of this variant in disease. Therefore, it has been classified as a Variant of Uncertain Significance.

NM_001999.4(FBN2):c.4127A>G (p.His1376Arg)

Gene: FBN2 (fibrillin 2; minus strand). Cytogenetic location: 5q23.3.
Variant type: single nucleotide variant.
Coding change: c.4127A>G on transcript NM_001999.4 (MANE Select); coding-DNA position 4127, A replaced by G.
Protein change: p.His1376Arg; replaces histidine 1376 with arginine.
Molecular consequence: missense variant.
Genome position (GRCh38, 1-based): chr5:128,333,007, T>C on the plus strand (A>G on the coding strand, the complement: FBN2 is on the minus strand). VCF-style: chr5-128333007-T-C. GRCh37 (hg19) VCF-style: chr5-127668699-T-C.
Other names: short protein forms H1376R.
Identifiers: ClinVar variation 1060559 (VCV001060559.9), dbSNP rs1255550274, ClinGen allele CA360755315.